The following is an entry in ClinVar:

ClinVar aggregate classification (germline): Uncertain significance (1 of 4 stars; one submission).

Conditions:
Hereditary cancer-predisposing syndrome. Also called: Hereditary neoplastic syndrome; Neoplastic Syndromes, Hereditary; Tumor predisposition; Hereditary Cancer Syndrome. Identifiers: Orphanet 140162, MedGen C0027672, MeSH D009386, MONDO:0015356.

Submission:

Ambry Genetics
Classification: Uncertain significance for Hereditary cancer-predisposing syndrome. Last evaluated: 2025-02-15. Review status: criteria provided, single submitter. Criteria: Ambry Variant Classification Scheme 2023. Collection method: clinical testing. Allele origin: germline.
Comment: The p.P490A variant (also known as c.1468C>G), located in coding exon 6 of the BLM gene, results from a C to G substitution at nucleotide position 1468. The proline at codon 490 is replaced by alanine, an amino acid with highly similar properties. This amino acid position is conserved. In addition, this alteration is predicted to be tolerated by in silico analysis. Based on the available evidence, the clinical significance of this variant remains unclear.

NM_000057.4(BLM):c.1468C>G (p.Pro490Ala)

Gene: BLM (BLM RecQ like helicase; plus strand). Cytogenetic location: 15q26.1.
Variant type: single nucleotide variant.
Coding change: c.1468C>G on transcript NM_000057.4 (MANE Select); coding-DNA position 1468, C replaced by G.
Protein change: p.Pro490Ala; replaces proline 490 with alanine.
Molecular consequence: missense variant.
Genome position (GRCh38, 1-based): chr15:90,760,841, C>G. VCF-style: chr15-90760841-C-G. GRCh37 (hg19) VCF-style: chr15-91304071-C-G.
Other names: c.1468C>G, p.Pro490Ala (NM_001287246.2, NM_001287247.2); c.343C>G, p.Pro115Ala (NM_001287248.2); short protein forms P115A, P490A.
Identifiers: ClinVar variation 3824470 (VCV003824470.1).